The following is an entry in ClinVar:

NM_001386298.1(CIC):c.307del (p.Glu103fs)

Gene: CIC (capicua transcriptional repressor; plus strand). Cytogenetic location: 19q13.2.
Variant type: Deletion.
Coding change: c.307del on transcript NM_001386298.1 (MANE Select); coding-DNA position 307, one base deleted (G; older notation c.307delG).
Protein change: p.Glu103fs; shifts the reading frame from glutamic acid 103.
Molecular consequence: frameshift variant.
Genome position (GRCh38, 1-based): chr19:42,272,090, G deleted; the last of 3 consecutive G bases (chr19:42,272,088-42,272,090); deleting any one gives the same sequence. VCF-style (leftmost placement, unchanged base first): chr19-42272087-TG-T. GRCh37 (hg19) VCF-style: chr19-42776239-TG-T.
Other names: c.307del, p.Glu103fs (NM_001439185.1, NM_001439186.1, NM_001439187.1 and 6 more transcripts); short protein forms E103fs.
Identifiers: ClinVar variation 4292475 (VCV004292475.1).

ClinVar aggregate classification (germline): Likely pathogenic (1 of 4 stars; one submission).

Conditions:
Intellectual developmental disorder, autosomal dominant 45. Also called: MENTAL RETARDATION, AUTOSOMAL DOMINANT 45; Intellectual disability, autosomal dominant 45. Identifiers: MedGen C4539848, MONDO:0030910, OMIM 617600.

Submission:

3billion
Classification: Likely pathogenic for Intellectual developmental disorder, autosomal dominant 45. Last evaluated: 2024-08-12. Review status: criteria provided, single submitter. Criteria: ACMG Guidelines, 2015. Collection method: clinical testing. Allele origin: germline. Affected: yes.
Comment: The variant is not observed in the gnomAD v4.0.0 dataset. Predicted Consequence/Location: Frameshift: predicted to result in a loss or disruption of normal protein function through nonsense-mediated decay (NMD) or protein truncation. Multiple pathogenic variants are reported downstream of the variant. Therefore, this variant is classified as Likely pathogenic according to the recommendation of ACMG/AMP guideline.